The following is an entry in ClinVar:

NM_001077268.2(ZFYVE19):c.717+1G>T

Gene: ZFYVE19 (zinc finger FYVE-type containing 19; plus strand). Cytogenetic location: 15q15.1.
Variant type: single nucleotide variant.
Coding change: c.717+1G>T on transcript NM_001077268.2 (MANE Select); the canonical splice donor site of the intron after coding-DNA position 717, G replaced by T.
Molecular consequence: splice donor variant.
Genome position (GRCh38, 1-based): chr15:40,810,217, G>T. VCF-style: chr15-40810217-G-T. GRCh37 (hg19) VCF-style: chr15-41102415-G-T.
Other names: c.717+1G>T (NM_001258420.2); c.192+1G>T (NM_001258421.2); c.687+1G>T (NM_032850.5).
Identifiers: ClinVar variation 3391294 (VCV003391294.1).

ClinVar aggregate classification (germline): Likely pathogenic (1 of 4 stars; one submission).

Conditions:
Cholestasis, progressive familial intrahepatic, 9 (PFIC9). Identifiers: MedGen C5676973, MONDO:0030800, OMIM 619849.

Submission:

Neuberg Centre For Genomic Medicine, NCGM
Classification: Likely pathogenic for Cholestasis, progressive familial intrahepatic, 9. Last evaluated: 2023-07-22. Review status: criteria provided, single submitter. Criteria: ACMG Guidelines, 2015. Collection method: clinical testing. Allele origin: germline. Inheritance: Autosomal recessive inheritance. Affected: yes.
Comment: The observed splice donor variant c.717+1G>T in ZFYVE19 gene has not been reported previously as a pathogenic variant nor as a benign variant, to our knowledge. This variant is absent in gnomAD Exomes. This variant is predicted to be Damaging by SpliceAI Prediction. This variant is predicted to cause loss of normal protein function through protein truncation. Loss of function variants have been previously reported to be disease causing Luan W, et al., 2021. For these reasons, this variant has been classified as Likely Pathogenic.